The following is an entry in ClinVar:

ClinVar aggregate classification (germline): Uncertain significance (1 of 4 stars; one submission).

Conditions:
Neuronal ceroid lipofuscinosis. Also called: Neuronal Ceroid Lipofuscinoses. Identifiers: Orphanet 216, Orphanet 79263, MedGen C0027877, MONDO:0016295. Disease mechanism: loss of function.

gnomAD v4.1: 3 of 1,613,818 alleles (0.00019%); highest among the groups gnomAD compares: Non-Finnish European, 0.00025%; no homozygotes.

Submission:

Labcorp Genetics (formerly Invitae), Labcorp
Classification: Uncertain significance for Neuronal ceroid lipofuscinosis. Last evaluated: 2021-08-13. Review status: criteria provided, single submitter. Criteria: Invitae Variant Classification Sherloc (09022015). Collection method: clinical testing. Allele origin: germline.
Comment: This sequence change replaces valine with phenylalanine at codon 130 of the CLN3 protein (p.Val130Phe). The valine residue is weakly conserved and there is a small physicochemical difference between valine and phenylalanine. This variant is present in population databases (rs764261700, ExAC 0.002%). This variant has not been reported in the literature in individuals affected with CLN3-related conditions. Algorithms developed to predict the effect of missense changes on protein structure and function output the following: SIFT: "Deleterious"; PolyPhen-2: "Benign"; Align-GVGD: "Class C0". The phenylalanine amino acid residue is found in multiple mammalian species, which suggests that this missense change does not adversely affect protein function. In summary, the available evidence is currently insufficient to determine the role of this variant in disease. Therefore, it has been classified as a Variant of Uncertain Significance.

NM_001042432.2(CLN3):c.388G>T (p.Val130Phe)

Gene: CLN3 (CLN3 lysosomal/endosomal transmembrane protein, battenin; minus strand). Cytogenetic location: 16p12.1.
Variant type: single nucleotide variant.
Coding change: c.388G>T on transcript NM_001042432.2 (MANE Select); coding-DNA position 388, G replaced by T.
Protein change: p.Val130Phe; replaces valine 130 with phenylalanine.
Molecular consequence: missense variant.
Genome position (GRCh38, 1-based): chr16:28,487,528, C>A on the plus strand (G>T on the coding strand, the complement: CLN3 is on the minus strand). VCF-style: chr16-28487528-C-A. GRCh37 (hg19) VCF-style: chr16-28498849-C-A.
Other names: c.388G>T, p.Val130Phe (NM_000086.2); c.316G>T, p.Val106Phe (NM_001286104.2); c.88G>T, p.Val30Phe (NM_001286105.2); c.154G>T, p.Val52Phe (NM_001286109.2); c.226G>T, p.Val76Phe (NM_001286110.2); short protein forms V106F, V130F, V30F, V52F, V76F.
Identifiers: ClinVar variation 1005433 (VCV001005433.6), dbSNP rs764261700, ClinGen allele CA7980935.